The following is an entry in ClinVar:

NM_006922.4(SCN3A):c.127_129del (p.Asn43del)

Gene: SCN3A (sodium voltage-gated channel alpha subunit 3; minus strand). Cytogenetic location: 2q24.3.
Variant type: Deletion.
Coding change: c.127_129del on transcript NM_006922.4 (MANE Select); coding-DNA positions 127 to 129, 3 bases deleted (AAT; older notation c.127_129delAAT).
Protein change: p.Asn43del; deletes asparagine 43.
Molecular consequence: inframe deletion.
Genome position (GRCh38, 1-based): chr2:165,176,266-165,176,268, ATT deleted on the plus strand (AAT on the coding strand, the reverse complement: SCN3A is on the minus strand); deleting any 3 consecutive bases within chr2:165,176,266-165,176,270 gives the same sequence; the c. name uses the placement nearest the transcript's 3' end. VCF-style (leftmost placement, unchanged base first): chr2-165176265-CATT-C. GRCh37 (hg19) VCF-style: chr2-166032775-CATT-C.
Other names: p.Asn43del; c.127_129del, p.Asn43del (NM_001081676.2, NM_001081677.2); c.127_129del (NM_006922.3); short protein forms N43del.
Identifiers: ClinVar variation 95444 (VCV000095444.20), dbSNP rs72471101, ClinGen allele CA214453.

ClinVar aggregate classification (germline): Benign. Review status: criteria provided, multiple submitters, no conflicts (2 of 4 stars). 8 submissions from 7 submitters: Benign (8). Last evaluated 2026-02-04.

Conditions:
Epilepsy, familial focal, with variable foci 4 (FFEVF4). Identifiers: MedGen C4693694, MONDO:0054776, OMIM 617935.
Developmental and epileptic encephalopathy, 62. Also called: Early infantile epileptic encephalopathy 62. Identifiers: MedGen C4693699, MONDO:0033371, OMIM 617938.

Submissions (8):

Labcorp Genetics (formerly Invitae), Labcorp
Classification: Benign. Last evaluated: 2026-02-04. Review status: criteria provided, single submitter. Criteria: Invitae Variant Classification Sherloc (09022015). Collection method: clinical testing. Allele origin: germline.

Blueprint Genetics
Classification: Benign. Last evaluated: 2024-11-26. Review status: criteria provided, single submitter. Criteria: ACMG Guidelines, 2015. Collection method: clinical testing. Allele origin: germline.

GeneDx
Classification: Benign. Last evaluated: 2022-09-09. Review status: criteria provided, single submitter. Criteria: GeneDx Variant Classification Process June 2021. Collection method: clinical testing. Allele origin: germline. Affected: yes.
Comment: See Variant Classification Assertion Criteria.

Mayo Clinic Laboratories, Mayo Clinic
Classification: Benign. Last evaluated: 2021-11-29. Review status: criteria provided, single submitter. Criteria: ACMG Guidelines, 2015. Collection method: clinical testing. Allele origin: germline. Observed: 28 variant alleles.

Genome-Nilou Lab
Classification: Benign for Developmental and epileptic encephalopathy, 62. Last evaluated: 2021-07-15. Review status: criteria provided, single submitter. Criteria: ACMG Guidelines, 2015. Collection method: clinical testing. Allele origin: germline. Affected: no.

Genome-Nilou Lab
Classification: Benign for Epilepsy, familial focal, with variable foci 4. Last evaluated: 2021-07-15. Review status: criteria provided, single submitter. Criteria: ACMG Guidelines, 2015. Collection method: clinical testing. Allele origin: germline. Affected: no.

Athena Diagnostics
Classification: Benign. Last evaluated: 2017-04-20. Review status: criteria provided, single submitter. Criteria: Athena Diagnostics Criteria. Collection method: clinical testing. Allele origin: germline.

Eurofins Ntd Llc (ga)
Classification: Benign. Last evaluated: 2013-05-09. Review status: criteria provided, single submitter. Criteria: EGL Classification Definitions 2015. Collection method: clinical testing. Allele origin: germline. Observed: 1 variant allele, 1 heterozygote.